The following is an entry in ClinVar:

NM_003482.4(KMT2D):c.12096C>T (p.Ala4032=)

Gene: KMT2D (lysine methyltransferase 2D; minus strand). Cytogenetic location: 12q13.12.
Variant type: single nucleotide variant.
Coding change: c.12096C>T on transcript NM_003482.4 (MANE Select); coding-DNA position 12096, C replaced by T.
Protein change: p.Ala4032=; no amino-acid change (alanine 4032 retained).
Molecular consequence: synonymous variant.
Genome position (GRCh38, 1-based): chr12:49,032,609, G>A on the plus strand (C>T on the coding strand, the complement: KMT2D is on the minus strand). VCF-style: chr12-49032609-G-A. GRCh37 (hg19) VCF-style: chr12-49426392-G-A.
Identifiers: ClinVar variation 447663 (VCV000447663.35), dbSNP rs370145169, ClinGen allele CA6546245.

ClinVar aggregate classification (germline): Benign/Likely benign. Review status: criteria provided, multiple submitters, no conflicts (2 of 4 stars). 4 submissions from 4 submitters: Benign (3); Likely benign (1). Last evaluated 2026-02-01.

Conditions:
Kabuki syndrome. Also called: NIIKAWA-KUROKI SYNDROME; Kabuki make-up syndrome. Identifiers: Orphanet 2322, MedGen C0796004, MONDO:0016512.

Allele frequency attached by ClinVar (database versions not stated): gnomAD exomes 0.00004 and 0.00011; ExAC 0.00015; 1000 Genomes Project 0.00020; 1000 Genomes Project 30x 0.00031; gnomAD 0.00042 and 0.00046; TOPMed 0.00049; ESP Exome Variant Server 0.00074.

Submissions (4):

Labcorp Genetics (formerly Invitae), Labcorp
Classification: Benign for Kabuki syndrome. Last evaluated: 2026-02-01. Review status: criteria provided, single submitter. Criteria: Invitae Variant Classification Sherloc (09022015). Collection method: clinical testing. Allele origin: germline.

CeGaT Center for Human Genetics Tuebingen
Classification: Likely benign. Last evaluated: 2023-12-01. Review status: criteria provided, single submitter. Criteria: CeGaT Center For Human Genetics Tuebingen Variant Classification Criteria Version 2. Collection method: clinical testing. Allele origin: germline. Affected: yes. Observed: 1 variant allele.
Comment: KMT2D: BP4, BP7, BS1

GeneDx
Classification: Benign. Last evaluated: 2020-10-26. Review status: criteria provided, single submitter. Criteria: GeneDx Variant Classification Process June 2021. Collection method: clinical testing. Allele origin: germline. Affected: yes.

Athena Diagnostics
Classification: Benign. Last evaluated: 2016-10-17. Review status: criteria provided, single submitter. Criteria: Athena Diagnostics Criteria. Collection method: clinical testing. Allele origin: germline.